The following is an entry in ClinVar:

NM_018051.5(DYNC2I1):c.296G>C (p.Arg99Pro)

Gene: DYNC2I1 (dynein 2 intermediate chain 1; plus strand). Cytogenetic location: 7q36.3.
Variant type: single nucleotide variant.
Coding change: c.296G>C on transcript NM_018051.5 (MANE Select); coding-DNA position 296, G replaced by C.
Protein change: p.Arg99Pro; replaces arginine 99 with proline.
Molecular consequence: missense variant. On other transcripts: 5 prime UTR variant (4).
Genome position (GRCh38, 1-based): chr7:158,871,368, G>C. VCF-style: chr7-158871368-G-C. GRCh37 (hg19) VCF-style: chr7-158664059-G-C.
Other names: c.158G>C, p.Arg53Pro (NM_001350914.2); c.-222G>C (NM_001350915.2); c.-1063G>C (NM_001350916.2); c.-1071G>C (NM_001350917.2); c.-1190G>C (NM_001350918.2); short protein forms R53P, R99P.
Identifiers: ClinVar variation 2131238 (VCV002131238.4), dbSNP rs1045554054, ClinGen allele CA370177146.

ClinVar aggregate classification (germline): Uncertain significance (1 of 4 stars; one submission).

Conditions:
Short-rib thoracic dysplasia 8 with or without polydactyly (SRTD8). Also called: SHORT-RIB THORACIC DYSPLASIA 8 WITH POLYDACTYLY. Identifiers: Orphanet 93271, MedGen C3809691, MONDO:0014214, OMIM 615503.

Submission:

Labcorp Genetics (formerly Invitae), Labcorp
Classification: Uncertain significance for Short-rib thoracic dysplasia 8 with or without polydactyly. Last evaluated: 2022-05-12. Review status: criteria provided, single submitter. Criteria: Invitae Variant Classification Sherloc (09022015). Collection method: clinical testing. Allele origin: germline.
Comment: In summary, the available evidence is currently insufficient to determine the role of this variant in disease. Therefore, it has been classified as a Variant of Uncertain Significance. Algorithms developed to predict the effect of missense changes on protein structure and function are either unavailable or do not agree on the potential impact of this missense change (SIFT: "Tolerated"; PolyPhen-2: "Probably Damaging"; Align-GVGD: "Class C0"). This variant has not been reported in the literature in individuals affected with WDR60-related conditions. This variant is not present in population databases (gnomAD no frequency). This sequence change replaces arginine, which is basic and polar, with proline, which is neutral and non-polar, at codon 99 of the WDR60 protein (p.Arg99Pro).